The following is an entry in ClinVar:

ClinVar aggregate classification (germline): Uncertain significance. Review status: criteria provided, multiple submitters, no conflicts (2 of 4 stars). 2 submissions from 2 submitters: Uncertain significance (2). Last evaluated 2026-01-30.

Conditions:
Agammaglobulinemia 4, autosomal recessive (AGM4). Also called: AGAMMAGLOBULINEMIA, AUTOSOMAL RECESSIVE, DUE TO BLNK DEFECT; B cell linker protein deficiency. Identifiers: MedGen C3150752, MONDO:0013289, OMIM 613502.

Allele frequency attached by ClinVar (database versions not stated): gnomAD exomes 0.00006 and 0.00002; ExAC 0.00007; gnomAD 0.00003; TOPMed 0.00003; ESP Exome Variant Server 0.00015.
gnomAD v4.1: 37 of 1,613,338 alleles (0.0023%); highest among the groups gnomAD compares: East Asian, 0.0022%; no homozygotes.

Submissions (2):

Women's Health and Genetics/Laboratory Corporation of America, LabCorp
Classification: Uncertain significance. Last evaluated: 2026-01-30. Review status: criteria provided, single submitter. Criteria: LabCorp Variant Classification Summary - May 2015. Collection method: clinical testing. Allele origin: germline.
Comment: Variant summary: BLNK c.1196G>A (p.Arg399Gln) results in a conservative amino acid change in the encoded protein sequence. Algorithms developed to predict the effect of missense changes on protein structure and function are either unavailable or do not agree on the potential impact of this missense change. The variant allele was found at a frequency of 6e-05 in 251206 control chromosomes. This frequency is not significantly higher than estimated for disease-causing variants in BLNK, allowing no conclusion about variant significance. To our knowledge, no occurrence of c.1196G>A in individuals affected with BLNK-related conditions and no experimental evidence demonstrating its impact on protein function have been reported. ClinVar contains an entry for this variant (Variation ID: 78124). Based on the evidence outlined above, the variant was classified as uncertain significance.

Labcorp Genetics (formerly Invitae), Labcorp
Classification: Uncertain significance for Agammaglobulinemia 4, autosomal recessive. Last evaluated: 2019-05-04. Review status: criteria provided, single submitter. Criteria: Invitae Variant Classification Sherloc (09022015). Collection method: clinical testing. Allele origin: germline.
Comment: This sequence change replaces arginine with glutamine at codon 399 of the BLNK protein (p.Arg399Gln). The arginine residue is highly conserved and there is a small physicochemical difference between arginine and glutamine. This variant is present in population databases (rs267602649, ExAC 0.01%). This variant has not been reported in the literature in individuals with BLNK-related conditions. Algorithms developed to predict the effect of missense changes on protein structure and function are either unavailable or do not agree on the potential impact of this missense change (SIFT: "Deleterious"; PolyPhen-2: "Possibly Damaging"; Align-GVGD: "Class C0"). In summary, the available evidence is currently insufficient to determine the role of this variant in disease. Therefore, it has been classified as a Variant of Uncertain Significance.

NM_013314.4(BLNK):c.1196G>A (p.Arg399Gln)

Genes: ZNF518A (zinc finger protein 518A; plus strand), BLNK (B cell linker; minus strand). Cytogenetic location: 10q24.1.
Variant type: single nucleotide variant.
Coding change: c.1196G>A on transcript NM_013314.4 (MANE Select); coding-DNA position 1196, G replaced by A.
Protein change: p.Arg399Gln; replaces arginine 399 with glutamine.
Molecular consequence: missense variant. On other transcripts: non-coding transcript variant (3), intron variant (3).
Genome position (GRCh38, 1-based): chr10:96,196,963, C>T on the plus strand (G>A on the coding strand, the complement: BLNK is on the minus strand). VCF-style: chr10-96196963-C-T. GRCh37 (hg19) VCF-style: chr10-97956719-C-T.
Other names: c.1127G>A, p.Arg376Gln (NM_001114094.2); c.780+3112G>A (NM_001258442.2); c.1026+3112G>A (NM_001258441.2); c.1095+3112G>A (NM_001258440.2); short protein forms R399Q, R376Q.
Identifiers: ClinVar variation 78124 (VCV000078124.9), dbSNP rs267602649, ClinGen allele CA5623159.